The following is an entry in ClinVar:

NM_030632.3(ASXL3):c.3166G>A (p.Asp1056Asn)

Gene: ASXL3 (ASXL transcriptional regulator 3; plus strand). Cytogenetic location: 18q12.1.
Variant type: single nucleotide variant.
Coding change: c.3166G>A on transcript NM_030632.3 (MANE Select); coding-DNA position 3166, G replaced by A.
Protein change: p.Asp1056Asn; replaces aspartic acid 1056 with asparagine.
Molecular consequence: missense variant.
Genome position (GRCh38, 1-based): chr18:33,743,014, G>A. VCF-style: chr18-33743014-G-A. GRCh37 (hg19) VCF-style: chr18-31322978-G-A.
Other names: short protein forms D1056N.
Identifiers: ClinVar variation 5030698 (VCV005030698.1).
Genomic context (GRCh38, chr18:33,743,014, plus strand): 5'-CGAGCATCCACTAGCACATCTGTCAGTGGCGGGAGGAACACAGGAGCCAGGACCCTCGCA[G>A]ATATCAAGGCCCGGGCCCAACAAGCTCGGGCCCAGCGAGAGGCTGCTGCAGCTGCTGCTG-3'
Protein context (NP_085135.1, residues 1046-1066): GRNTGARTLA[Asp1056Asn]IKARAQQARA

ClinVar aggregate classification (germline): Uncertain significance (1 of 4 stars; one submission).

Conditions:
Inborn genetic diseases. Identifiers: MedGen C0950123, MeSH D030342.

gnomAD v4.1: 11 of 1,613,888 alleles (0.00068%); highest among the groups gnomAD compares: Non-Finnish European, 0.00076%; no homozygotes.

Submission:

Ambry Genetics
Classification: Uncertain significance for Inborn genetic diseases. Last evaluated: 2026-06-15. Review status: criteria provided, single submitter. Criteria: Ambry Variant Classification Scheme 2023. Collection method: clinical testing. Allele origin: germline.
Comment: The c.3166G>A (p.D1056N) alteration is located in exon 12 (coding exon 12) of the ASXL3 gene. This alteration results from a G to A substitution at nucleotide position 3166, causing the aspartic acid (D) at amino acid position 1056 to be replaced by an asparagine (N). Based on data from gnomAD, the A allele has an overall frequency of <0.001% (1/248514) total alleles studied. The highest observed frequency was <0.001% (/) of alleles. Based on insufficient or conflicting evidence, the clinical significance of this alteration remains unclear.